The following is an entry in ClinVar:

NM_172107.4(KCNQ2):c.296+1G>A

Gene: KCNQ2 (potassium voltage-gated channel subfamily Q member 2; minus strand). Cytogenetic location: 20q13.33.
Variant type: single nucleotide variant.
Coding change: c.296+1G>A on transcript NM_172107.4 (MANE Select); the canonical splice donor site of the intron after coding-DNA position 296, G replaced by A.
Molecular consequence: splice donor variant.
Genome position (GRCh38, 1-based): chr20:63,472,167, C>T on the plus strand (G>A on the coding strand, the complement: KCNQ2 is on the minus strand). VCF-style: chr20-63472167-C-T. GRCh37 (hg19) VCF-style: chr20-62103520-C-T.
Other names: c.296+1G>A (NM_004518.6, NM_172108.5, NM_172106.3 and 2 more transcripts).
Identifiers: ClinVar variation 21811 (VCV000021811.2), dbSNP rs118192190, ClinGen allele CA342543.

ClinVar aggregate classification (germline): not provided (0 of 4 stars; one submission).

Conditions:
Seizures, benign familial neonatal, 1. Also called: Benign Neonatal Epilepsy 1; KCNQ2-Related Benign Familial Neonatal Epilepsy; KCNQ2-Related Self-Limited Familial Neonatal Epilepsy (SLFNE); Seizures, benign neonatal, 1. Identifiers: Orphanet 1949, MedGen C3149074, MONDO:0007365, OMIM 121200.

Submission:

GeneReviews
No classification provided. Condition: Seizures, benign familial neonatal, 1. Review status: no classification provided. Collection method: literature only. Allele origin: germline. Affected: yes.
Comment: BFNE (benign familial neonatal epilepsy)

Literature cited by the submitters: PubMed 17129708; NCBI Bookshelf NBK32534.